The following is an entry in ClinVar:

ClinVar aggregate classification (germline): Likely benign. Review status: criteria provided, multiple submitters, no conflicts (2 of 4 stars). 3 submissions from 3 submitters: Likely benign (3). Last evaluated 2024-02-15.

Conditions:
RYR1-related disorder. Also called: RYR1-related condition; RYR1-related disorders. Identifiers: MedGen CN239331.
Malignant hyperthermia, susceptibility to, 1 (MHS1). Also called: Anesthesia related hyperthermia; Malignant hyperpyrexia; Fulminating hyperpyrexia; Pharmacogenic myopathy; Malignant hyperthermia suceptibility 1; RYR1-Related Malignant Hyperthermia Susceptibility. Identifiers: Orphanet 423, MedGen C2930980, MONDO:0007783, OMIM 145600.

Allele frequency attached by ClinVar (database versions not stated): gnomAD exomes below 0.00001; TOPMed below 0.00001.
gnomAD v4.1: 2 of 1,613,100 alleles (0.00012%); highest among the groups gnomAD compares: Middle Eastern, 0.033%; no homozygotes.

Submissions (3):

Labcorp Genetics (formerly Invitae), Labcorp
Classification: Likely benign for RYR1-related disorder. Last evaluated: 2024-02-15. Review status: criteria provided, single submitter. Criteria: Invitae Variant Classification Sherloc (09022015). Collection method: clinical testing. Allele origin: germline.

All of Us Research Program, National Institutes of Health
Classification: Likely benign for Malignant hyperthermia, susceptibility to, 1. Last evaluated: 2023-09-17. Review status: criteria provided, single submitter. Criteria: ACMG Guidelines, 2015. Collection method: clinical testing. Allele origin: germline. Inheritance: Autosomal dominant inheritance. Observed: 2 variant alleles, 2 heterozygotes.
Comment: This study involves interpretation of variants in research participants for the purpose of population health screening. Participant phenotype was not available at the time of variant classification. Additional details can be found in publication PMID: 35346344, PMCID: PMC8962531

Color Diagnostics, LLC DBA Color Health
Classification: Likely benign for Malignant hyperthermia, susceptibility to, 1. Last evaluated: 2023-07-26. Review status: criteria provided, single submitter. Criteria: ACMG Guidelines, 2015. Collection method: clinical testing. Allele origin: germline.

NM_000540.3(RYR1):c.6105T>C (p.His2035=)

Gene: RYR1 (ryanodine receptor 1; plus strand). Cytogenetic location: 19q13.2.
Variant type: single nucleotide variant.
Coding change: c.6105T>C on transcript NM_000540.3 (MANE Select); coding-DNA position 6105, T replaced by C.
Protein change: p.His2035=; no amino-acid change (histidine 2035 retained).
Molecular consequence: synonymous variant.
Genome position (GRCh38, 1-based): chr19:38,490,710, T>C. VCF-style: chr19-38490710-T-C. GRCh37 (hg19) VCF-style: chr19-38981350-T-C.
Other names: c.6105T>C, p.His2035= (NM_001042723.2).
Identifiers: ClinVar variation 478245 (VCV000478245.12), dbSNP rs1555780574, ClinGen allele CA507240278.